The following is an entry in ClinVar:

NM_205850.3(SLC24A5):c.350G>T (p.Gly117Val)

Gene: SLC24A5 (solute carrier family 24 member 5; plus strand). Cytogenetic location: 15q21.1.
Variant type: single nucleotide variant.
Coding change: c.350G>T on transcript NM_205850.3 (MANE Select); coding-DNA position 350, G replaced by T.
Protein change: p.Gly117Val; replaces glycine 117 with valine.
Molecular consequence: missense variant.
Genome position (GRCh38, 1-based): chr15:48,134,306, G>T. VCF-style: chr15-48134306-G-T. GRCh37 (hg19) VCF-style: chr15-48426503-G-T.
Other names: short protein forms G117V.
Identifiers: ClinVar variation 2094182 (VCV002094182.4), dbSNP rs2504592960, ClinGen allele CA392449791.

ClinVar aggregate classification (germline): Uncertain significance (1 of 4 stars; one submission).

Submission:

Labcorp Genetics (formerly Invitae), Labcorp
Classification: Uncertain significance. Last evaluated: 2024-10-21. Review status: criteria provided, single submitter. Criteria: Invitae Variant Classification Sherloc (09022015). Collection method: clinical testing. Allele origin: germline.
Comment: This sequence change replaces glycine, which is neutral and non-polar, with valine, which is neutral and non-polar, at codon 117 of the SLC24A5 protein (p.Gly117Val). This variant is not present in population databases (gnomAD no frequency). This variant has not been reported in the literature in individuals affected with SLC24A5-related conditions. ClinVar contains an entry for this variant (Variation ID: 2094182). Invitae Evidence Modeling of protein sequence and biophysical properties (such as structural, functional, and spatial information, amino acid conservation, physicochemical variation, residue mobility, and thermodynamic stability) indicates that this missense variant is expected to disrupt SLC24A5 protein function with a positive predictive value of 80%. In summary, the available evidence is currently insufficient to determine the role of this variant in disease. Therefore, it has been classified as a Variant of Uncertain Significance.